The following is an entry in ClinVar:

ClinVar aggregate classification (germline): Uncertain significance (1 of 4 stars; one submission).

Conditions:
Exostoses, multiple, type 2 (EXT2). Also called: EXOSTOSES, MULTIPLE, TYPE II; Hereditary Multiple Osteochondromatosis, Type II. Identifiers: Orphanet 321, MedGen C1851413, MONDO:0007586, OMIM 133701.

Submission:

Labcorp Genetics (formerly Invitae), Labcorp
Classification: Uncertain significance for Exostoses, multiple, type 2. Last evaluated: 2021-08-28. Review status: criteria provided, single submitter. Criteria: Invitae Variant Classification Sherloc (09022015). Collection method: clinical testing. Allele origin: germline.
Comment: Algorithms developed to predict the effect of missense changes on protein structure and function (SIFT, PolyPhen-2, Align-GVGD) all suggest that this variant is likely to be disruptive, but these predictions have not been confirmed by published functional studies and their clinical significance is uncertain. In summary, the available evidence is currently insufficient to determine the role of this variant in disease. Therefore, it has been classified as a Variant of Uncertain Significance. This variant has not been reported in the literature in individuals with EXT2-related conditions. This variant is not present in population databases (ExAC no frequency). This sequence change replaces glycine with alanine at codon 685 of the EXT2 protein (p.Gly685Ala). The glycine residue is highly conserved and there is a small physicochemical difference between glycine and alanine.

NM_207122.2(EXT2):c.2054G>C (p.Gly685Ala)

Gene: EXT2 (exostosin glycosyltransferase 2; plus strand). Cytogenetic location: 11p11.2.
Variant type: single nucleotide variant.
Coding change: c.2054G>C on transcript NM_207122.2 (MANE Select); coding-DNA position 2054, G replaced by C.
Protein change: p.Gly685Ala; replaces glycine 685 with alanine.
Molecular consequence: missense variant.
Genome position (GRCh38, 1-based): chr11:44,244,184, G>C. VCF-style: chr11-44244184-G-C. GRCh37 (hg19) VCF-style: chr11-44265734-G-C.
Other names: c.2153G>C, p.Gly718Ala (NM_000401.3); c.2084G>C, p.Gly695Ala (NM_001178083.3); c.2054G>C, p.Gly685Ala (NM_001389628.1, NM_001389630.1); short protein forms G685A, G695A, G718A.
Identifiers: ClinVar variation 1360131 (VCV001360131.8), dbSNP rs1389539812, ClinGen allele CA380178518.